The following is an entry in ClinVar:

NM_013447.4(ADGRE2):c.82+4A>G

Gene: ADGRE2 (adhesion G protein-coupled receptor E2; minus strand). Cytogenetic location: 19p13.12.
Variant type: single nucleotide variant.
Coding change: c.82+4A>G on transcript NM_013447.4 (MANE Select); 4 bases into the intron after coding-DNA position 82, A replaced by G.
Molecular consequence: intron variant.
Genome position (GRCh38, 1-based): chr19:14,774,252, T>C on the plus strand (A>G on the coding strand, the complement: ADGRE2 is on the minus strand). VCF-style: chr19-14774252-T-C. GRCh37 (hg19) VCF-style: chr19-14885064-T-C.
Other names: c.82+4A>G (NM_152917.2, NM_152916.2, NM_001271052.1).
Identifiers: ClinVar variation 2979321 (VCV002979321.3), dbSNP rs758924406, ClinGen allele CA9258324.

ClinVar aggregate classification (germline): Uncertain significance (1 of 4 stars; one submission).

Allele frequency attached by ClinVar (database versions not stated): gnomAD exomes 0.00001; TOPMed 0.00001.
gnomAD v4.1: 18 of 1,563,236 alleles (0.0012%); highest among the groups gnomAD compares: Non-Finnish European, 0.0016%; no homozygotes.

Submission:

Labcorp Genetics (formerly Invitae), Labcorp
Classification: Uncertain significance. Last evaluated: 2025-06-04. Review status: criteria provided, single submitter. Criteria: Invitae Variant Classification Sherloc (09022015). Collection method: clinical testing. Allele origin: germline.
Comment: This sequence change falls in intron 3 of the ADGRE2 gene. It does not directly change the encoded amino acid sequence of the ADGRE2 protein. It affects a nucleotide within the consensus splice site. This variant is present in population databases (rs758924406, gnomAD 0.002%). This variant has not been reported in the literature in individuals affected with ADGRE2-related conditions. ClinVar contains an entry for this variant (Variation ID: 2979321). Variants that disrupt the consensus splice site are a relatively common cause of aberrant splicing (PMID: 17576681, 9536098). Algorithms developed to predict the effect of sequence changes on RNA splicing suggest that this variant may disrupt the consensus splice site. In summary, the available evidence is currently insufficient to determine the role of this variant in disease. Therefore, it has been classified as a Variant of Uncertain Significance.

Literature cited by the submitters: PubMed 17576681; PubMed 9536098.